The following is an entry in ClinVar:

ClinVar aggregate classification (germline): Uncertain significance. Review status: criteria provided, multiple submitters, no conflicts (2 of 4 stars). 2 submissions from 2 submitters: Uncertain significance (2). Last evaluated 2023-09-29.

Conditions:
Inborn genetic diseases. Identifiers: MedGen C0950123, MeSH D030342.

Allele frequency attached by ClinVar (database versions not stated): gnomAD 0.00001; gnomAD exomes 0.00001 and 0.00002; ExAC 0.00002; TOPMed 0.00002; ESP Exome Variant Server 0.00008.
gnomAD v4.1: 22 of 1,614,072 alleles (0.0014%); highest among the groups gnomAD compares: Middle Eastern, 0.016%; no homozygotes.

Submissions (2):

Ambry Genetics
Classification: Uncertain significance for Inborn genetic diseases. Last evaluated: 2023-09-29. Review status: criteria provided, single submitter. Criteria: Ambry Variant Classification Scheme 2023. Collection method: clinical testing. Allele origin: germline.

Labcorp Genetics (formerly Invitae), Labcorp
Classification: Uncertain significance. Last evaluated: 2021-08-27. Review status: criteria provided, single submitter. Criteria: Invitae Variant Classification Sherloc (09022015). Collection method: clinical testing. Allele origin: germline.
Comment: This sequence change replaces tyrosine with histidine at codon 287 of the MDH2 protein (p.Tyr287His). The tyrosine residue is highly conserved and there is a moderate physicochemical difference between tyrosine and histidine. This variant is present in population databases (rs374797940, ExAC 0.006%). This variant has not been reported in the literature in individuals affected with MDH2-related conditions. Algorithms developed to predict the effect of missense changes on protein structure and function (SIFT, PolyPhen-2, Align-GVGD) all suggest that this variant is likely to be disruptive. In summary, the available evidence is currently insufficient to determine the role of this variant in disease. Therefore, it has been classified as a Variant of Uncertain Significance.

NM_005918.4(MDH2):c.859T>C (p.Tyr287His)

Gene: MDH2 (malate dehydrogenase 2; plus strand). Cytogenetic location: 7q11.23.
Variant type: single nucleotide variant.
Coding change: c.859T>C on transcript NM_005918.4 (MANE Select); coding-DNA position 859, T replaced by C.
Protein change: p.Tyr287His; replaces tyrosine 287 with histidine.
Molecular consequence: missense variant.
Genome position (GRCh38, 1-based): chr7:76,064,927, T>C. VCF-style: chr7-76064927-T-C. GRCh37 (hg19) VCF-style: chr7-75694245-T-C.
Other names: c.733T>C, p.Tyr245His (NM_001282403.2); c.538T>C, p.Tyr180His (NM_001282404.2); c.859T>C (NM_005918.2); short protein forms Y180H, Y245H, Y287H.
Identifiers: ClinVar variation 1366158 (VCV001366158.6), dbSNP rs374797940, ClinGen allele CA4305729.